The following is an entry in ClinVar:

ClinVar aggregate classification (germline): Conflicting classifications of pathogenicity. Review status: criteria provided, conflicting classifications (1 of 4 stars). 5 submissions from 5 submitters: Uncertain significance (4); Likely benign (1). Last evaluated 2025-12-14.

Conditions:
RASopathy. Also called: rasopathies; Noonan spectrum disorder. Identifiers: Orphanet 536391, MedGen C5555857, MONDO:0021060.
Colorectal cancer. Also called: Colorectal cancer, somatic; Malignant Colorectal Neoplasm. Identifiers: MedGen C0346629, MONDO:0005575, OMIM 114500.
Lung cancer. Also called: Malignant tumor of lung; Lung cancer, somatic. Identifiers: MedGen C0242379, MONDO:0008903, OMIM 211980.
Cardiofaciocutaneous syndrome 1 (CFC1). Also called: BRAF-Related Cardiofaciocutaneous Syndrome; MAP2K1-Related Cardiofaciocutaneous Syndrome; KRAS-Related Cardiofaciocutaneous Syndrome; MAP2K2-Related Cardiofaciocutaneous Syndrome. Identifiers: Orphanet 1340, MedGen CN029449, MONDO:0007265, OMIM 115150. Disease mechanism: gain of function.
Melanoma, cutaneous malignant, susceptibility to, 1 (CMM1). Also called: MELANOMA, MALIGNANT; DYSPLASTIC NEVUS SYNDROME, HEREDITARY; FAMILIAL ATYPICAL MOLE-MALIGNANT MELANOMA SYNDROME; B-K MOLE SYNDROME. Identifiers: Orphanet 618, MedGen C1835047, MONDO:0007963, OMIM 155600.
Noonan syndrome 7 (NS7). Also called: BRAF-Related Noonan Syndrome. Identifiers: Orphanet 648, MedGen C3150970, MONDO:0013379, OMIM 613706.
LEOPARD syndrome 3 (LPRD3). Identifiers: Orphanet 500, MedGen C3150971, MONDO:0013380, OMIM 613707.
Cardiovascular phenotype. Identifiers: MedGen CN230736.

Allele frequency attached by ClinVar (database versions not stated): gnomAD exomes below 0.00001 and 0.00001; gnomAD 0.00005 and 0.00006; TOPMed 0.00006.
gnomAD v4.1: 15 of 1,430,694 alleles (0.001%); highest among the groups gnomAD compares: African/African-American, 0.017%; no homozygotes.

Submissions (5):

Labcorp Genetics (formerly Invitae), Labcorp
Classification: Uncertain significance for RASopathy. Last evaluated: 2025-12-14. Review status: criteria provided, single submitter. Criteria: Invitae Variant Classification Sherloc (09022015). Collection method: clinical testing. Allele origin: germline.
Comment: This sequence change replaces leucine, which is neutral and non-polar, with valine, which is neutral and non-polar, at codon 18 of the BRAF protein (p.Leu18Val). This variant is present in population databases (no rsID available, gnomAD 0.01%). This variant has not been reported in the literature in individuals affected with BRAF-related conditions. ClinVar contains an entry for this variant (Variation ID: 1318788). Invitae Evidence Modeling of protein sequence and biophysical properties (such as structural, functional, and spatial information, amino acid conservation, physicochemical variation, residue mobility, and thermodynamic stability) indicates that this missense variant is not expected to disrupt BRAF protein function with a negative predictive value of 95%. In summary, the available evidence is currently insufficient to determine the role of this variant in disease. Therefore, it has been classified as a Variant of Uncertain Significance.

Ambry Genetics
Classification: Uncertain significance for Cardiovascular phenotype. Last evaluated: 2025-12-04. Review status: criteria provided, single submitter. Criteria: Ambry Variant Classification Scheme 2023. Collection method: clinical testing. Allele origin: germline.
Comment: The p.L18V variant (also known as c.52C>G), located in coding exon 1 of the BRAF gene, results from a C to G substitution at nucleotide position 52. The leucine at codon 18 is replaced by valine, an amino acid with highly similar properties. This amino acid position is highly conserved in available vertebrate species. In addition, this alteration is predicted to be tolerated by in silico analysis. Based on the available evidence, the clinical significance of this variant remains unclear.

Fulgent Genetics
Classification: Uncertain significance for Colorectal cancer; Cardiofaciocutaneous syndrome 1; Melanoma, cutaneous malignant, susceptibility to, 1; Lung cancer; Noonan syndrome 7; LEOPARD syndrome 3. Last evaluated: 2024-01-24. Review status: criteria provided, single submitter. Criteria: ACMG Guidelines, 2015. Collection method: clinical testing. Allele origin: germline.

Women's Health and Genetics/Laboratory Corporation of America, LabCorp
Classification: Uncertain significance. Last evaluated: 2023-09-19. Review status: criteria provided, single submitter. Criteria: LabCorp Variant Classification Summary - May 2015. Collection method: clinical testing. Allele origin: germline.
Comment: Variant summary: BRAF c.52C>G (p.Leu18Val) results in a conservative amino acid change in the encoded protein sequence. Five of five in-silico tools predict a benign effect of the variant on protein function. The variant allele was found at a frequency of 5.3e-05 in 149944 control chromosomes (i.e., 8 heterozygotes), predominantly at a frequency of 0.00019 within the African or African-American subpopulation in the gnomAD database. The available data on variant occurrences in the general population are insufficient to allow any conclusion about variant significance, although are not suggestive of a variant associated with highly-penetrant, early-onset, autsomal dominant disease. To our knowledge, no occurrence of c.52C>G in individuals affected with Cardiofaciocutaneous Syndrome and no experimental evidence demonstrating its impact on protein function have been reported. Two submitters have reported clinical-significance assessments for this variant to ClinVar after 2014. One submitter classified the variant as likely benign, and one submitter classified the variant as uncertain significance. Based on the evidence outlined above, the variant was classified as VUS-possibly benign.

GeneDx
Classification: Likely benign. Last evaluated: 2021-07-21. Review status: criteria provided, single submitter. Criteria: GeneDx Variant Classification Process June 2021. Collection method: clinical testing. Allele origin: germline. Affected: yes.
Comment: Has not been previously published as pathogenic or benign to our knowledge; Missense variants in this gene are often considered pathogenic (Stenson et al., 2014); In silico analysis supports that this missense variant does not alter protein structure/function

NM_004333.6(BRAF):c.52C>G (p.Leu18Val)

Gene: BRAF (B-Raf proto-oncogene, serine/threonine kinase; minus strand). Cytogenetic location: 7q34.
Variant type: single nucleotide variant.
Coding change: c.52C>G on transcript NM_004333.6 (MANE Select); coding-DNA position 52, C replaced by G.
Protein change: p.Leu18Val; replaces leucine 18 with valine.
Molecular consequence: missense variant.
Genome position (GRCh38, 1-based): chr7:140,924,652, G>C on the plus strand (C>G on the coding strand, the complement: BRAF is on the minus strand). VCF-style: chr7-140924652-G-C. GRCh37 (hg19) VCF-style: chr7-140624452-G-C.
Other names: c.52C>G, p.Leu18Val (NM_001354609.2, NM_001374244.1, NM_001374258.1 and 7 more transcripts); short protein forms L18V.
Identifiers: ClinVar variation 1318788 (VCV001318788.12), dbSNP rs1222192591, ClinGen allele CA369590193.
Genomic context (GRCh38, chr7:140,924,652, plus strand): 5'-CCGAAGAGGCCGCGGCGCCGGCGCCGGCGCCGGCCTCGGGCTCCATGTCCCCGTTGAACA[G>C]AGCCTGGCCCGGCTCCGCGCCGCCACCACCGCCACCGCTCAGCGCCGCCATCTTATAACC-3'
Protein context (NP_004324.2, residues 8-28): GGGGAEPGQA[Leu18Val]FNGDMEPEAG